The following is an entry in ClinVar:

NM_002691.4(POLD1):c.1925_1929del (p.Thr642fs)

Gene: POLD1 (DNA polymerase delta 1, catalytic subunit; plus strand). Cytogenetic location: 19q13.33.
Variant type: Deletion.
Coding change: c.1925_1929del on transcript NM_002691.4 (MANE Select); coding-DNA positions 1925 to 1929, 5 bases deleted (CCGGG; older notation c.1925_1929delCCGGG).
Protein change: p.Thr642fs; shifts the reading frame from threonine 642.
Molecular consequence: frameshift variant. On other transcripts: non-coding transcript variant (1).
Genome position (GRCh38, 1-based): chr19:50,409,154-50,409,158, CCGGG deleted. VCF-style (leftmost placement, unchanged base first): chr19-50409153-ACCGGG-A. GRCh37 (hg19) VCF-style: chr19-50912410-ACCGGG-A.
Other names: c.1925_1929del, p.Thr642fs (NM_001256849.1); c.2003_2007del, p.Thr668fs (NM_001308632.1); short protein forms T642fs, T668fs.
Identifiers: ClinVar variation 641680 (VCV000641680.8), dbSNP rs1601226505, ClinGen allele CA915951946.

ClinVar aggregate classification (germline): Uncertain significance (1 of 4 stars; one submission).

Conditions:
POLD1-related polyposis and colorectal cancer syndrome (CRCS10). Also called: Colorectal cancer, susceptibility to, 10; Colorectal cancer 10; COLORECTAL CANCER, SUSCEPTIBILITY TO, ON CHROMOSOME 19q. Identifiers: Orphanet 220460, MedGen C2675481, MONDO:0012953, OMIM 612591.

Submission:

Labcorp Genetics (formerly Invitae), Labcorp
Classification: Uncertain significance for POLD1-related polyposis and colorectal cancer syndrome. Last evaluated: 2024-04-23. Review status: criteria provided, single submitter. Criteria: Invitae Variant Classification Sherloc (09022015). Collection method: clinical testing. Allele origin: germline.
Comment: This sequence change creates a premature translational stop signal (p.Thr642Argfs*95) in the POLD1 gene. Missense variants that disrupt the 3'-5' exonuclease (proof-reading) activity of the POLD1 protein are associated with PPAP (polymerase proofreading–associated polyposis) (PMID: 23263490, 23447401). However, loss-of-function variants that result in an absent or severely disrupted POLD1 protein, and missense variants outside the exonuclease domain, are unlikely to be associated with PPAP. This variant is not present in population databases (gnomAD no frequency). This variant has not been reported in the literature in individuals affected with POLD1-related conditions. ClinVar contains an entry for this variant (Variation ID: 641680). In summary, the available evidence is currently insufficient to determine the role of this variant in disease. Therefore, it has been classified as a Variant of Uncertain Significance.

Literature cited by the submitters: PubMed 23263490; PubMed 23447401.